The following is an entry in ClinVar:

NM_005235.3(ERBB4):c.2567A>G (p.His856Arg)

Gene: ERBB4 (erb-b2 receptor tyrosine kinase 4; minus strand). Cytogenetic location: 2q34.
Variant type: single nucleotide variant.
Coding change: c.2567A>G on transcript NM_005235.3 (MANE Select); coding-DNA position 2567, A replaced by G.
Protein change: p.His856Arg; replaces histidine 856 with arginine.
Molecular consequence: missense variant.
Genome position (GRCh38, 1-based): chr2:211,431,021, T>C on the plus strand (A>G on the coding strand, the complement: ERBB4 is on the minus strand). VCF-style: chr2-211431021-T-C. GRCh37 (hg19) VCF-style: chr2-212295746-T-C.
Other names: c.2567A>G, p.His856Arg (NM_001042599.2); short protein forms H856R.
Identifiers: ClinVar variation 3349539 (VCV003349539.1).

ClinVar aggregate classification (germline): Uncertain significance (0 of 4 stars; one submission).

Conditions:
ERBB4-related disorder. Also called: ERBB4-related condition.

gnomAD v4.1: 2 of 1,613,774 alleles (0.00012%); highest among the groups gnomAD compares: Non-Finnish European, 0.00017%; no homozygotes.

Submission:

PreventionGenetics, part of Exact Sciences
Classification: Uncertain significance for ERBB4-related condition. Last evaluated: 2024-05-21. Review status: no assertion criteria provided. Collection method: clinical testing. Allele origin: germline.
Comment: The ERBB4 c.2567A>G variant is predicted to result in the amino acid substitution p.His856Arg. To our knowledge, this variant has not been reported in the literature. This variant is reported in 0.00088% of alleles in individuals of European (Non-Finnish) descent in gnomAD. At this time, the clinical significance of this variant is uncertain due to the absence of conclusive functional and genetic evidence.